The following is an entry in ClinVar:

NM_199355.4(ADAMTS18):c.3476G>A (p.Ser1159Asn)

Genes: ADAMTS18 (ADAM metallopeptidase with thrombospondin type 1 motif 18; minus strand), LOC126862407 (CDK7 strongly-dependent group 2 enhancer GRCh37_chr16:77322970-77324169; plus strand). Cytogenetic location: 16q23.1.
Variant type: single nucleotide variant.
Coding change: c.3476G>A on transcript NM_199355.4 (MANE Select); coding-DNA position 3476, G replaced by A.
Protein change: p.Ser1159Asn; replaces serine 1159 with asparagine.
Molecular consequence: missense variant.
Genome position (GRCh38, 1-based): chr16:77,289,338, C>T on the plus strand (G>A on the coding strand, the complement: ADAMTS18 is on the minus strand). VCF-style: chr16-77289338-C-T. GRCh37 (hg19) VCF-style: chr16-77323235-C-T.
Other names: c.2960G>A, p.Ser987Asn (NM_001326358.2); short protein forms S1159N, S987N.
Identifiers: ClinVar variation 1025992 (VCV001025992.8), dbSNP rs3743749, ClinGen allele CA8180418.

ClinVar aggregate classification (germline): Uncertain significance (1 of 4 stars; one submission).

gnomAD v4.1: 15 of 1,613,866 alleles (0.00093%); highest among the groups gnomAD compares: African/African-American, 0.013%; no homozygotes.

Submission:

Labcorp Genetics (formerly Invitae), Labcorp
Classification: Uncertain significance. Last evaluated: 2022-01-12. Review status: criteria provided, single submitter. Criteria: Invitae Variant Classification Sherloc (09022015). Collection method: clinical testing. Allele origin: germline.
Comment: Algorithms developed to predict the effect of missense changes on protein structure and function output the following: SIFT: "Not Available"; PolyPhen-2: "Benign"; Align-GVGD: "Not Available". The asparagine amino acid residue is found in multiple mammalian species, which suggests that this missense change does not adversely affect protein function. In summary, the available evidence is currently insufficient to determine the role of this variant in disease. Therefore, it has been classified as a Variant of Uncertain Significance. ClinVar contains an entry for this variant (Variation ID: 1025992). This variant has not been reported in the literature in individuals affected with ADAMTS18-related conditions. This variant is present in population databases (rs3743749, gnomAD 0.008%). This sequence change replaces serine, which is neutral and polar, with asparagine, which is neutral and polar, at codon 1159 of the ADAMTS18 protein (p.Ser1159Asn).